The following is an entry in ClinVar:

ClinVar aggregate classification (germline): Uncertain significance (1 of 4 stars; one submission).

Submission:

Labcorp Genetics (formerly Invitae), Labcorp
Classification: Uncertain significance. Last evaluated: 2025-01-11. Review status: criteria provided, single submitter. Criteria: Invitae Variant Classification Sherloc (09022015). Collection method: clinical testing. Allele origin: germline.
Comment: This sequence change replaces cysteine, which is neutral and slightly polar, with arginine, which is basic and polar, at codon 1519 of the FBN3 protein (p.Cys1519Arg). This variant is not present in population databases (gnomAD no frequency). This variant has not been reported in the literature in individuals affected with FBN3-related conditions. Invitae Evidence Modeling of protein sequence and biophysical properties (such as structural, functional, and spatial information, amino acid conservation, physicochemical variation, residue mobility, and thermodynamic stability) indicates that this missense variant is expected to disrupt FBN3 protein function with a positive predictive value of 80%. In summary, the available evidence is currently insufficient to determine the role of this variant in disease. Therefore, it has been classified as a Variant of Uncertain Significance.

NM_032447.5(FBN3):c.4555T>C (p.Cys1519Arg)

Gene: FBN3 (fibrillin 3; minus strand). Cytogenetic location: 19p13.2.
Variant type: single nucleotide variant.
Coding change: c.4555T>C on transcript NM_032447.5 (MANE Select); coding-DNA position 4555, T replaced by C.
Protein change: p.Cys1519Arg; replaces cysteine 1519 with arginine.
Molecular consequence: missense variant.
Genome position (GRCh38, 1-based): chr19:8,109,290, A>G on the plus strand (T>C on the coding strand, the complement: FBN3 is on the minus strand). VCF-style: chr19-8109290-A-G. GRCh37 (hg19) VCF-style: chr19-8174174-A-G.
Other names: c.4555T>C, p.Cys1519Arg (NM_001321431.2); short protein forms C1519R.
Identifiers: ClinVar variation 3608538 (VCV003608538.2).
Genomic context (GRCh38, chr19:8,109,290, plus strand): 5'-TGTTGGCCATAGGGCACAGCTCACAGGGATTGCCCCAAGCCCGGCCCAGGGAGCAACAGC[A>G]GGAAGCTCGGGTGACACCAACTCCGATCTCGGCACTGCAGGAAATGCCACTGTCCCCTCG-3'
Protein context (NP_115823.3, residues 1509-1529): EIGVGVTRAS[Cys1519Arg]CCSLGRAWGN